The following is an entry in ClinVar:

NC_000011.9:g.(?_107992334)_(108206708_?)del

Genes: ACAT1 (acetyl-CoA acetyltransferase 1; plus strand), ATM (ATM serine/threonine kinase; plus strand), NPAT (nuclear protein, coactivator of histone transcription; minus strand). Cytogenetic location: 11q22.3.
Variant type: Deletion.
Identifiers: ClinVar variation 3244458 (VCV003244458.1).

ClinVar aggregate classification (germline): Pathogenic (1 of 4 stars; one submission).

Conditions:
Ataxia-telangiectasia syndrome (AT). Also called: LOUIS-BAR SYNDROME; Cerebello-oculocutaneous telangiectasia; Immunodeficiency with ataxia telangiectasia; AT, COMPLEMENTATION GROUP C; Ataxia-telangiectasia, complementation group D; ATAXIA-TELANGIECTASIA, COMPLEMENTATION GROUP A. Identifiers: Orphanet 100, MedGen C0004135, MONDO:0008840, OMIM 208900.

Submission:

Labcorp Genetics (formerly Invitae), Labcorp
Classification: Pathogenic for Ataxia-telangiectasia syndrome. Last evaluated: 2023-05-17. Review status: criteria provided, single submitter. Criteria: Invitae Variant Classification Sherloc (09022015). Collection method: clinical testing. Allele origin: unknown.
Comment: For these reasons, this variant has been classified as Pathogenic. This variant has not been reported in the literature in individuals affected with ATM-related conditions. This variant is a gross deletion of the genomic region encompassing exon(s) 1-56 of the ATM gene, which includes the initiator codon. This deletion extends beyond the assayed region for this gene and therefore may encompass additional genes. It is expected to result in an absent or disrupted protein product. Loss-of-function variants in ATM are known to be pathogenic (PMID: 23807571, 25614872).

Literature cited by the submitters: PubMed 23807571; PubMed 25614872.